The following is an entry in ClinVar:

NM_000044.6(AR):c.171GCA[30] (p.Gln74_Gln80dup)

Genes: AR (androgen receptor; plus strand), LOC109504725 (androgen receptor repeat instability region; plus strand). Cytogenetic location: Xq12.
Variant type: Microsatellite.
Coding change: c.171GCA[30] on transcript NM_000044.6 (MANE Select); 30 copies in a row of the 3-base unit GCA starting at c.171; the reference has 23 copies in a row; seven copies, 21 bases duplicated.
Protein change: p.Gln74_Gln80dup.
Molecular consequence: inframe insertion. On other transcripts: 5 prime UTR variant (1).
Genome position (GRCh38, 1-based): chrX:67,545,365-67,545,385, GCAGCAGCAGCAGCAGCAGCA duplicated; duplicating any 21 consecutive bases within chrX:67,545,317-67,545,385 gives the same sequence; the position shown is the placement nearest the transcript's 3' end. VCF-style (leftmost placement, unchanged base first): chrX-67545316-T-TGCAGCAGCAGCAGCAGCAGCA. GRCh37 (hg19) VCF-style: chrX-66765158-T-TGCAGCAGCAGCAGCAGCAGCA.
Other names: c.219_239dup21 (NM_000044.2, NM_000044.3); c.-1613GCA[30] (NM_001011645.3); c.171GCA[30], p.Gln74_Gln80dup (NM_001348061.1, NM_001348063.1, NM_001348064.1).
Identifiers: ClinVar variation 507868 (VCV000507868.37), dbSNP rs3032358, ClinGen allele CA658799773.

ClinVar aggregate classification (germline): Benign/Likely benign. Review status: criteria provided, multiple submitters, no conflicts (2 of 4 stars). 5 submissions from 5 submitters: Benign (1); Likely benign (3). 1 of the submissions does not count toward it. Last evaluated 2026-02-02.

Conditions:
Kennedy disease (SMAX1). Also called: SPINAL AND BULBAR MUSCULAR ATROPHY, X-LINKED 1; Spinal and Bulbar Muscular Atrophy; KENNEDY SPINAL AND BULBAR MUSCULAR ATROPHY. Identifiers: Orphanet 481, MedGen C1839259, MONDO:0010735, OMIM 313200.
Androgen resistance syndrome (AIS). Also called: Androgen insensitivity syndrome due to coactivator deficiency; Androgen insensitivity, complete; Androgen insensitivity; DHTR DEFICIENCY; Androgen insensitivity syndrome; ANDROGEN RECEPTOR DEFICIENCY. Identifiers: Orphanet 754, Orphanet 99429, MedGen C0039585, MONDO:0019154, OMIM 300068. Disease mechanism: loss of function.
AR-related disorder. Also called: AR-related condition.

Submissions (5):

Labcorp Genetics (formerly Invitae), Labcorp
Classification: Benign for Kennedy disease; Androgen resistance syndrome. Last evaluated: 2026-02-02. Review status: criteria provided, single submitter. Criteria: Invitae Variant Classification Sherloc (09022015). Collection method: clinical testing. Allele origin: germline.

Blueprint Genetics
Classification: Likely benign. Last evaluated: 2024-11-28. Review status: criteria provided, single submitter. Criteria: ACMG Guidelines, 2015. Collection method: clinical testing. Allele origin: germline.

CeGaT Center for Human Genetics Tuebingen
Classification: Likely benign. Last evaluated: 2023-07-01. Review status: criteria provided, single submitter. Criteria: CeGaT Center For Human Genetics Tuebingen Variant Classification Criteria Version 2. Collection method: clinical testing. Allele origin: germline. Affected: yes. Observed: 4 variant alleles.
Comment: AR: BS2

GeneDx
Classification: Likely benign. Last evaluated: 2021-04-05. Review status: criteria provided, single submitter. Criteria: GeneDx Variant Classification Process June 2021. Collection method: clinical testing. Allele origin: germline. Affected: yes.

PreventionGenetics, part of Exact Sciences
Classification: Benign for AR-related condition. Last evaluated: 2019-05-07. Review status: no assertion criteria provided. Collection method: clinical testing. Allele origin: germline. Not counted in ClinVar's aggregate classification.
Comment: This variant is classified as benign based on ACMG/AMP sequence variant interpretation guidelines (Richards et al. 2015 PMID: 25741868, with internal and published modifications).